The following is an entry in ClinVar:

NM_001384140.1(PCDH15):c.2898_2899del (p.Arg966fs)

Gene: PCDH15 (protocadherin related 15; minus strand). Cytogenetic location: 10q21.1.
Variant type: Microsatellite.
Coding change: c.2898_2899del on transcript NM_001384140.1 (MANE Select); coding-DNA positions 2898 to 2899, 2 bases deleted (AG; older notation c.2898_2899delAG).
Protein change: p.Arg966fs; shifts the reading frame from arginine 966.
Molecular consequence: frameshift variant.
Genome position (GRCh38, 1-based): chr10:53,961,862-53,961,863, CT deleted on the plus strand (AG on the coding strand, the reverse complement: PCDH15 is on the minus strand); deleting any 2 consecutive bases within chr10:53,961,862-53,961,865 gives the same sequence; the c. name uses the placement nearest the transcript's 3' end. VCF-style (leftmost placement, unchanged base first): chr10-53961861-ACT-A. GRCh37 (hg19) VCF-style: chr10-55721621-ACT-A.
Other names: c.2913_2914del, p.Arg971fs (NM_001142763.2, NM_001142771.2); c.2898_2899del, p.Arg966fs (NM_001142764.2, NM_001142766.2, NM_001142770.3 and 4 more transcripts); c.2685_2686del, p.Arg895fs (NM_001142765.2); c.2787_2788del, p.Arg929fs (NM_001142767.2); c.2832_2833del, p.Arg944fs (NM_001142768.2, NM_001142773.2, NM_001354404.2); c.2932_2933AG[1], p.Arg978Serfs (NM_001142769.4); c.2919_2920del, p.Arg973fs (NM_001354411.2); short protein forms R895fs, R929fs, R944fs, R966fs, R971fs, R973fs, R978fs.
Identifiers: ClinVar variation 1724877 (VCV001724877.2), dbSNP rs2495140482, ClinGen allele CA2580615478.

ClinVar aggregate classification (germline): Likely pathogenic (1 of 4 stars; one submission).

Conditions:
Usher syndrome type 1D (USH1D). Also called: USHER SYNDROME, TYPE ID. Identifiers: Orphanet 231169, Orphanet 886, MedGen C1832845, MONDO:0010984, OMIM 601067.

Submission:

Myriad Genetics, Inc.
Classification: Likely pathogenic for Usher syndrome type 1D. Last evaluated: 2022-03-02. Review status: criteria provided, single submitter. Criteria: Myriad Women's Health Autosomal Recessive and X-Linked Classification Criteria (2021). Collection method: clinical testing. Allele origin: unknown.
Comment: NM_033056.3(PCDH15):c.2898_2899delAG(R966Sfs*3) is expected to be pathogenic in the context of PCDH15-related disorders. This variant is predicted to lead to an abnormal or absent protein product due to the creation of a premature termination codon in PCDH15, a gene where loss-of-function variants are known to be pathogenic. Please note: this variant was assessed in the context of healthy population screening.